The following is an entry in ClinVar:

ClinVar aggregate classification (germline): Uncertain significance (1 of 4 stars; one submission).

Conditions:
Kabuki syndrome. Also called: Kabuki make-up syndrome; NIIKAWA-KUROKI SYNDROME. Identifiers: Orphanet 2322, MedGen C0796004, MONDO:0016512.

Submission:

Labcorp Genetics (formerly Invitae), Labcorp
Classification: Uncertain significance for Kabuki syndrome. Last evaluated: 2024-05-16. Review status: criteria provided, single submitter. Criteria: Invitae Variant Classification Sherloc (09022015). Collection method: clinical testing. Allele origin: germline.
Comment: This variant, c.11584_11601del, results in the deletion of 6 amino acid(s) of the KMT2D protein (p.Gln3862_Gln3867del), but otherwise preserves the integrity of the reading frame. This variant is not present in population databases (gnomAD no frequency). This variant has not been reported in the literature in individuals affected with KMT2D-related conditions. Experimental studies and prediction algorithms are not available or were not evaluated, and the functional significance of this variant is currently unknown. In summary, the available evidence is currently insufficient to determine the role of this variant in disease. Therefore, it has been classified as a Variant of Uncertain Significance.

NM_003482.4(KMT2D):c.11584_11601del (p.Gln3862_Gln3867del)

Gene: KMT2D (lysine methyltransferase 2D; minus strand). Cytogenetic location: 12q13.12.
Variant type: Deletion.
Coding change: c.11584_11601del on transcript NM_003482.4 (MANE Select); coding-DNA positions 11584 to 11601, 18 bases deleted (CAACAGCACCAACAGCAA).
Protein change: p.Gln3862_Gln3867del.
Genome position (GRCh38, 1-based): chr12:49,033,104-49,033,121, TTGCTGTTGGTGCTGTTG deleted on the plus strand (CAACAGCACCAACAGCAA on the coding strand, the reverse complement: KMT2D is on the minus strand); deleting any 18 consecutive bases within chr12:49,033,104-49,033,127 gives the same sequence; the c. name uses the placement nearest the transcript's 3' end. VCF-style (leftmost placement, unchanged base first): chr12-49033103-CTTGCTGTTGGTGCTGTTG-C. GRCh37 (hg19) VCF-style: chr12-49426886-CTTGCTGTTGGTGCTGTTG-C.
Identifiers: ClinVar variation 3667843 (VCV003667843.2).